The following is an entry in ClinVar:

NM_004100.5(EYA4):c.898G>T (p.Ala300Ser)

Gene: EYA4 (EYA transcriptional coactivator and phosphatase 4; plus strand). Cytogenetic location: 6q23.2.
Variant type: single nucleotide variant.
Coding change: c.898G>T on transcript NM_004100.5 (MANE Select); coding-DNA position 898, G replaced by T.
Protein change: p.Ala300Ser; replaces alanine 300 with serine.
Molecular consequence: missense variant.
Genome position (GRCh38, 1-based): chr6:133,468,659, G>T. VCF-style: chr6-133468659-G-T. GRCh37 (hg19) VCF-style: chr6-133789797-G-T.
Other names: c.736G>T, p.Ala246Ser (NM_001301012.2, NM_001370459.1); c.898G>T, p.Ala300Ser (NM_001301013.2, NM_172105.4); c.829G>T, p.Ala277Ser (NM_001370458.1, NM_172103.4); short protein forms A246S, A277S, A300S.
Identifiers: ClinVar variation 1006030 (VCV001006030.8), dbSNP rs1795055897, ClinGen allele CA365703683.
Genomic context (GRCh38, chr6:133,468,659, plus strand): 5'-CAGTATGCACAGTATTATTCAGCATCAACGTATGGAGCGTATATGACATCGAATAACACA[G>T]CCGATGGCACACCCTCTTCAACCTCTACTTATCAGTTGCAGGAATCTCTCCCAGGACTGA-3'
Protein context (NP_004091.3, residues 290-310): YGAYMTSNNT[Ala300Ser]DGTPSSTSTY

ClinVar aggregate classification (germline): Uncertain significance (1 of 4 stars; one submission).

Conditions:
Dilated cardiomyopathy 1J (CMD1J). Also called: CARDIOMYOPATHY, DILATED, WITH SENSORINEURAL HEARING LOSS, AUTOSOMAL DOMINANT. Identifiers: Orphanet 217622, MedGen C1854368, MONDO:0011541, OMIM 605362.

Submission:

Labcorp Genetics (formerly Invitae), Labcorp
Classification: Uncertain significance for Dilated cardiomyopathy 1J. Last evaluated: 2022-02-04. Review status: criteria provided, single submitter. Criteria: Invitae Variant Classification Sherloc (09022015). Collection method: clinical testing. Allele origin: germline.
Comment: In summary, the available evidence is currently insufficient to determine the role of this variant in disease. Therefore, it has been classified as a Variant of Uncertain Significance. Algorithms developed to predict the effect of missense changes on protein structure and function (SIFT, PolyPhen-2, Align-GVGD) all suggest that this variant is likely to be tolerated. ClinVar contains an entry for this variant (Variation ID: 1006030). This variant has not been reported in the literature in individuals affected with EYA4-related conditions. This variant is not present in population databases (gnomAD no frequency). This sequence change replaces alanine, which is neutral and non-polar, with serine, which is neutral and polar, at codon 300 of the EYA4 protein (p.Ala300Ser).